The following is an entry in ClinVar:

ClinVar aggregate classification (germline): Uncertain significance (1 of 4 stars; one submission).

gnomAD v4.1: 12 of 1,597,568 alleles (0.00075%); highest among the groups gnomAD compares: South Asian, 0.014%; no homozygotes.

Submission:

Women's Health and Genetics/Laboratory Corporation of America, LabCorp
Classification: Uncertain significance. Last evaluated: 2025-11-11. Review status: criteria provided, single submitter. Criteria: LabCorp Variant Classification Summary - May 2015. Collection method: clinical testing. Allele origin: germline.
Comment: Variant summary: HSPG2 c.12555G>C (p.Glu4185Asp) results in a conservative amino acid change in the encoded protein sequence. Algorithms developed to predict the effect of missense changes on protein structure and function all suggest that this variant is likely to be tolerated. The variant allele was found at a frequency of 1.3e-05 in 223056 control chromosomes. The available data on variant occurrences in the general population are insufficient to allow any conclusion about variant significance. To our knowledge, no occurrence of c.12555G>C in individuals affected with HSPG2-related conditions and no experimental evidence demonstrating its impact on protein function have been reported. No submitters have cited clinical-significance assessments for this variant to ClinVar. Based on the evidence outlined above, the variant was classified as uncertain significance.

NM_005529.7(HSPG2):c.12555G>C (p.Glu4185Asp)

Gene: HSPG2 (heparan sulfate proteoglycan 2; minus strand). Cytogenetic location: 1p36.12.
Variant type: single nucleotide variant.
Coding change: c.12555G>C on transcript NM_005529.7 (MANE Select); coding-DNA position 12555, G replaced by C.
Protein change: p.Glu4185Asp; replaces glutamic acid 4185 with aspartic acid.
Molecular consequence: missense variant.
Genome position (GRCh38, 1-based): chr1:21,827,897, C>G on the plus strand (G>C on the coding strand, the complement: HSPG2 is on the minus strand). VCF-style: chr1-21827897-C-G. GRCh37 (hg19) VCF-style: chr1-22154390-C-G.
Other names: c.12558G>C, p.Glu4186Asp (NM_001291860.2); short protein forms E4185D, E4186D.
Identifiers: ClinVar variation 4536864 (VCV004536864.1).
Genomic context (GRCh38, chr1:21,827,897, plus strand): 5'-GGGAGGAGGCCATGGCAAGTACTCACCATTGCCCCCGCTGCCTTCAAGATGCCAGTCGGA[C>G]TCTGCTATGCCATGTCCAGAGCCTATGGAGAAGGGCAGGGTCCAGTTGGTGGGCATAGAC-3'
Protein context (NP_005520.4, residues 4175-4195): CQQGSGHGIA[Glu4185Asp]SDWHLEGSGG